The following is an entry in ClinVar:

ClinVar aggregate classification (germline): Pathogenic (1 of 4 stars; one submission).

Conditions:
Primary ciliary dyskinesia 3. Identifiers: Orphanet 244, MedGen C1837618, MONDO:0012085, OMIM 608644.

Submission:

Myriad Genetics, Inc.
Classification: Pathogenic for Primary ciliary dyskinesia 3. Last evaluated: 2024-05-14. Review status: criteria provided, single submitter. Criteria: Myriad Autosomal Dominant, Autosomal Recessive and X-Linked Classification Criteria (2023). Collection method: clinical testing. Allele origin: unknown.
Comment: NM_001369.2(DNAH5):c.13209_13210ins17(L4404Sfs*17) is expected to be pathogenic in the context of primary ciliary dyskinesia, DNAH5-related. This variant is predicted to lead to an abnormal or absent protein product due to the creation of a premature termination codon in DNAH5, a gene where loss-of-function variants are known to be pathogenic. Please note: this variant was assessed in the context of healthy population screening.

NM_001369.3(DNAH5):c.13209_13210insTCCTATCCCTTTCCTAC (p.Leu4404fs)

Gene: DNAH5 (dynein axonemal heavy chain 5; minus strand). Cytogenetic location: 5p15.2.
Variant type: Insertion.
Coding change: c.13209_13210insTCCTATCCCTTTCCTAC on transcript NM_001369.3 (MANE Select); coding-DNA positions 13209 to 13210, TCCTATCCCTTTCCTAC inserted.
Protein change: p.Leu4404fs; shifts the reading frame from leucine 4404.
Molecular consequence: frameshift variant.
Genome position: GRCh38 VCF-style: chr5-13708251-G-GGTAGGAAAGGGATAGGA. GRCh37 (hg19) VCF-style: chr5-13708360-G-GGTAGGAAAGGGATAGGA.
Other names: short protein forms L4404fs.
Identifiers: ClinVar variation 5011226 (VCV005011226.1).